The following is an entry in ClinVar:

NM_001035.3(RYR2):c.14332G>T (p.Val4778Leu)

Gene: RYR2 (ryanodine receptor 2; plus strand). Cytogenetic location: 1q43.
Variant type: single nucleotide variant.
Coding change: c.14332G>T on transcript NM_001035.3 (MANE Select); coding-DNA position 14332, G replaced by T.
Protein change: p.Val4778Leu; replaces valine 4778 with leucine.
Molecular consequence: missense variant.
Genome position (GRCh38, 1-based): chr1:237,808,934, G>T. VCF-style: chr1-237808934-G-T. GRCh37 (hg19) VCF-style: chr1-237972234-G-T.
Other names: c.14332G>T, p.Val4778Leu (LRG_402t1); short protein forms V4778L.
Identifiers: ClinVar variation 404209 (VCV000404209.10), dbSNP rs1060500151, ClinGen allele CA16610068.

ClinVar aggregate classification (germline): Uncertain significance (1 of 4 stars; one submission).

Conditions:
Catecholaminergic polymorphic ventricular tachycardia 1. Also called: VENTRICULAR TACHYCARDIA, CATECHOLAMINERGIC POLYMORPHIC, 1, WITH OR WITHOUT ATRIAL DYSFUNCTION AND/OR DILATED CARDIOMYOPATHY; RYR2-Related Catecholaminergic Polymorphic Ventricular Tachycardia; VENTRICULAR TACHYCARDIA, STRESS-INDUCED POLYMORPHIC 1. Identifiers: Orphanet 3286, MedGen C1631597, MONDO:0011484, OMIM 604772.

Submission:

Labcorp Genetics (formerly Invitae), Labcorp
Classification: Uncertain significance for Catecholaminergic polymorphic ventricular tachycardia 1. Last evaluated: 2016-10-18. Review status: criteria provided, single submitter. Criteria: Invitae Variant Classification Sherloc (09022015). Collection method: clinical testing. Allele origin: germline.
Comment: This variant occurs within one of the three regions of the RYR2 gene (N-terminal domain, central domain, or channel region) where other pathogenic variants have been reported to cluster (PMID: 19926015). In summary, this variant is a novel missense change with uncertain impact on protein function. It has been classified as a Variant of Uncertain Significance. Algorithms developed to predict the effect of missense changes on protein structure and function do not agree on the potential impact of this missense change (SIFT: "Deleterious"; PolyPhen-2: "Possibly Damaging"; Align-GVGD: "Class C0"). This variant is not present in population databases (ExAC no frequency) and has not been reported in the literature in individuals with a RYR2-related disease. This sequence change replaces valine with leucine at codon 4778 of the RYR2 protein (p.Val4778Leu). The valine residue is highly conserved and there is a small physicochemical difference between valine and leucine.

Literature cited by the submitters: PubMed 19926015.